The following is an entry in ClinVar:

ClinVar aggregate classification (germline): Uncertain significance (1 of 4 stars; one submission).

Allele frequency attached by ClinVar (database versions not stated): ExAC 0.00004; gnomAD exomes 0.00006; TOPMed 0.00011; gnomAD 0.00012; ESP Exome Variant Server 0.00015; 1000 Genomes Project 0.00020; 1000 Genomes Project 30x 0.00031.
gnomAD v4.1: 107 of 1,614,144 alleles (0.0066%); highest among the groups gnomAD compares: Middle Eastern, 0.46%; 1 homozygote.

Submission:

Labcorp Genetics (formerly Invitae), Labcorp
Classification: Uncertain significance. Last evaluated: 2022-03-11. Review status: criteria provided, single submitter. Criteria: Invitae Variant Classification Sherloc (09022015). Collection method: clinical testing. Allele origin: germline.
Comment: In summary, the available evidence is currently insufficient to determine the role of this variant in disease. Therefore, it has been classified as a Variant of Uncertain Significance. Algorithms developed to predict the effect of missense changes on protein structure and function are either unavailable or do not agree on the potential impact of this missense change (SIFT: "Deleterious"; PolyPhen-2: "Benign"; Align-GVGD: "Class C0"). This variant has not been reported in the literature in individuals affected with VPS13C-related conditions. This variant is present in population databases (rs137923693, gnomAD 0.02%). This sequence change replaces valine, which is neutral and non-polar, with alanine, which is neutral and non-polar, at codon 627 of the VPS13C protein (p.Val627Ala).

NM_020821.3(VPS13C):c.1880T>C (p.Val627Ala)

Gene: VPS13C (vacuolar protein sorting 13 homolog C; minus strand). Cytogenetic location: 15q22.2.
Variant type: single nucleotide variant.
Coding change: c.1880T>C on transcript NM_020821.3 (MANE Select); coding-DNA position 1880, T replaced by C.
Protein change: p.Val627Ala; replaces valine 627 with alanine.
Molecular consequence: missense variant.
Genome position (GRCh38, 1-based): chr15:61,983,854, A>G on the plus strand (T>C on the coding strand, the complement: VPS13C is on the minus strand). VCF-style: chr15-61983854-A-G. GRCh37 (hg19) VCF-style: chr15-62276053-A-G.
Other names: c.1880T>C, p.Val627Ala (NM_001018088.3); c.1751T>C, p.Val584Ala (NM_017684.5, NM_018080.4); short protein forms V627A, V584A.
Identifiers: ClinVar variation 2184690 (VCV002184690.2), dbSNP rs137923693, ClinGen allele CA7596905.